The following is an entry in ClinVar:

ClinVar aggregate classification (germline): Pathogenic (1 of 4 stars; one submission).

Conditions:
Kleefstra syndrome 1 (KLEFS1). Identifiers: Orphanet 261494, MedGen C0795833, MONDO:0027407, OMIM 610253.

Submission:

Labcorp Genetics (formerly Invitae), Labcorp
Classification: Pathogenic for Kleefstra syndrome 1. Last evaluated: 2022-11-14. Review status: criteria provided, single submitter. Criteria: Invitae Variant Classification Sherloc (09022015). Collection method: clinical testing. Allele origin: germline.
Comment: For these reasons, this variant has been classified as Pathogenic. This variant has not been reported in the literature in individuals affected with EHMT1-related conditions. This variant is not present in population databases (gnomAD no frequency). This sequence change creates a premature translational stop signal (p.Pro701Thrfs*63) in the EHMT1 gene. It is expected to result in an absent or disrupted protein product. Loss-of-function variants in EHMT1 are known to be pathogenic (PMID: 16826528, 19264732).

Literature cited by the submitters: PubMed 16826528; PubMed 19264732.

NM_024757.5(EHMT1):c.2099dup (p.Pro701fs)

Gene: EHMT1 (euchromatic histone lysine methyltransferase 1; plus strand). Cytogenetic location: 9q34.3.
Variant type: Duplication.
Coding change: c.2099dup on transcript NM_024757.5 (MANE Select); coding-DNA position 2099, one base duplicated (G; older notation c.2099dupG).
Protein change: p.Pro701fs; shifts the reading frame from proline 701.
Molecular consequence: frameshift variant.
Genome position (GRCh38, 1-based): chr9:137,777,962, G duplicated; the last of 3 consecutive G bases (chr9:137,777,960-137,777,962); duplicating any one gives the same sequence. VCF-style (leftmost placement, unchanged base first): chr9-137777959-C-CG. GRCh37 (hg19) VCF-style: chr9-140672411-C-CG.
Other names: c.2099dup, p.Pro701fs (NM_001145527.2); c.2006dup, p.Pro670fs (NM_001354259.2); c.2078dup, p.Pro694fs (NM_001354263.2); short protein forms P670fs, P694fs, P701fs.
Identifiers: ClinVar variation 2813867 (VCV002813867.3), dbSNP rs2542393861, ClinGen allele CA2739265254.